The following is an entry in ClinVar:

ClinVar aggregate classification (germline): Benign/Likely benign. Review status: criteria provided, multiple submitters, no conflicts (2 of 4 stars). 7 submissions from 7 submitters: Benign (1); Likely benign (5). 1 of the submissions does not count toward it. Last evaluated 2025-12-30.

Conditions:
Hereditary breast ovarian cancer syndrome. Also called: Hereditary breast and/or ovarian cancer syndrome; Hereditary breast and ovarian cancer; Hereditary breast and ovarian cancer syndrome (HBOC); BRCA1- and BRCA2-Associated Hereditary Breast and Ovarian Cancer; Hereditary breast and ovarian cancer syndrome; Breast and ovarian cancer. Identifiers: Orphanet 145, MedGen C0677776, MeSH D061325, MONDO:0003582. Disease mechanism: loss of function.
Malignant tumor of breast. Also called: Malignant breast neoplasm; Cancer breast. Identifiers: MedGen C0006142, MONDO:0007254. Disease mechanism: loss of function.
Hereditary cancer-predisposing syndrome. Also called: Tumor predisposition; Neoplastic Syndromes, Hereditary; Hereditary neoplastic syndrome; Hereditary Cancer Syndrome. Identifiers: Orphanet 140162, MedGen C0027672, MeSH D009386, MONDO:0015356.
Breast-ovarian cancer, familial, susceptibility to, 2 (BROVCA2). Also called: BRCA2 Hereditary Breast and Ovarian Cancer. Identifiers: Orphanet 145, MedGen C2675520, MONDO:0012933, OMIM 612555. Disease mechanism: loss of function.

Allele frequency attached by ClinVar (database versions not stated): gnomAD exomes below 0.00001; ExAC 0.00001.
gnomAD v4.1: 3 of 1,613,550 alleles (0.00019%); highest among the groups gnomAD compares: Middle Eastern, 0.017%; no homozygotes.

Submissions (7):

Labcorp Genetics (formerly Invitae), Labcorp
Classification: Likely benign for Hereditary breast ovarian cancer syndrome. Last evaluated: 2025-12-30. Review status: criteria provided, single submitter. Criteria: Invitae Variant Classification Sherloc (09022015). Collection method: clinical testing. Allele origin: germline.

Myriad Genetics, Inc.
Classification: Benign for Breast-ovarian cancer, familial, susceptibility to, 2. Last evaluated: 2025-01-22. Review status: criteria provided, single submitter. Criteria: Myriad Autosomal Dominant, Autosomal Recessive and X-Linked Classification Criteria (2023). Collection method: clinical testing. Allele origin: unknown.
Comment: This variant is considered benign. This variant is intronic and is not expected to impact mRNA splicing. This variant is strongly associated with less severe personal and family histories of cancer, typical for individuals without pathogenic variants in this gene [PMID: 25085752].

All of Us Research Program, National Institutes of Health
Classification: Likely benign for Breast-ovarian cancer, familial, susceptibility to, 2. Last evaluated: 2023-11-20. Review status: criteria provided, single submitter. Criteria: ACMG Guidelines, 2015. Collection method: clinical testing. Allele origin: germline. Inheritance: Autosomal dominant inheritance. Observed: 2 variant alleles, 2 heterozygotes.
Comment: This study involves interpretation of variants in research participants for the purpose of population health screening. Participant phenotype was not available at the time of variant classification. Additional details can be found in publication PMID: 35346344, PMCID: PMC8962531

Blueprint Genetics
Classification: Likely benign. Last evaluated: 2023-02-07. Review status: criteria provided, single submitter. Criteria: ACMG Guidelines, 2015. Collection method: clinical testing. Allele origin: germline.

Color Diagnostics, LLC DBA Color Health
Classification: Likely benign for Hereditary cancer-predisposing syndrome. Last evaluated: 2018-12-14. Review status: criteria provided, single submitter. Criteria: ACMG Guidelines, 2015. Collection method: clinical testing. Allele origin: germline.

GeneDx
Classification: Likely benign. Last evaluated: 2016-12-29. Review status: criteria provided, single submitter. Criteria: GeneDx Variant Classification (06012015). Collection method: clinical testing. Allele origin: germline. Affected: yes.
Comment: This variant is considered likely benign or benign based on one or more of the following criteria: it is a conservative change, it occurs at a poorly conserved position in the protein, it is predicted to be benign by multiple in silico algorithms, and/or has population frequency not consistent with disease.

Department of Pathology and Laboratory Medicine, Sinai Health System
Classification: Likely benign for Malignant tumor of breast. Review status: no assertion criteria provided. Collection method: clinical testing. Allele origin: unknown. Affected: yes. Study: The Canadian Open Genetics Repository (COGR). Not counted in ClinVar's aggregate classification.
Comment: The c.8633-14T>C variant has not been reported in the literature nor previously identified by our laboratory. It is located in the 3' splice region but does not affect the invariant -1 and -2 positions, or the positions -3 and -5 to -15 which are part of the splicing consensus sequence that sometimes affect splicing. In addition, in-silico or computational prediction software (SpliceSiteFinder, MaxEntScan, NNSPLICE, GeneSplicer, HumanSpliceFinder) do not predict a difference in splicing regulation. In summary, based on the above information the clinical significance of this variant cannot be determined with certainty at this time, although we would lean towards a more benign role for this variant. This variant is classified as Predicted Benign.

Literature cited by the submitters: PubMed 25085752 (cited by Myriad Genetics, Inc.).

NM_000059.4(BRCA2):c.8633-14T>C

Gene: BRCA2 (BRCA2 DNA repair associated; plus strand). Cytogenetic location: 13q13.1.
Variant type: single nucleotide variant.
Coding change: c.8633-14T>C on transcript NM_000059.4 (MANE Select); 14 bases into the intron before coding-DNA position 8633, T replaced by C.
Molecular consequence: intron variant.
Genome position (GRCh38, 1-based): chr13:32,376,656, T>C. VCF-style: chr13-32376656-T-C. GRCh37 (hg19) VCF-style: chr13-32950793-T-C.
Identifiers: ClinVar variation 392419 (VCV000392419.18), dbSNP rs769984654, ClinGen allele CA6941279.